The following is an entry in ClinVar:

ClinVar aggregate classification (germline): Uncertain significance. Review status: criteria provided, single submitter (1 of 4 stars). 2 submissions from 2 submitters: Uncertain significance (1). 1 of the submissions does not count toward it. Last evaluated 2024-04-10.

Conditions:
Immunodeficiency 14 (IMD14A). Also called: p110-DELTA-ACTIVATING MUTATION CAUSING SENESCENT T CELLS, LYMPHADENOPATHY, AND IMMUNODEFICIENCY; IMMUNODEFICIENCY 14A WITH LYMPHOPROLIFERATION, AUTOSOMAL DOMINANT; ACTIVATED PI3K-DELTA SYNDROME 1; Activated PI3K Delta Syndrome Type 1 (APDS1). Identifiers: Orphanet 397596, Orphanet 693661, MedGen C5907821, MONDO:0014222, OMIM 615513.
Activated PI3K-delta syndrome. Identifiers: Orphanet 397596, MedGen C3714976, MONDO:0018338.

Allele frequency attached by ClinVar (database versions not stated): gnomAD exomes below 0.00001.
gnomAD v4.1: 2 of 1,614,034 alleles (0.00012%); highest among the groups gnomAD compares: African/African-American, 0.0013%; no homozygotes.

Submissions (2):

Labcorp Genetics (formerly Invitae), Labcorp
Classification: Uncertain significance for Activated PI3K-delta syndrome. Last evaluated: 2024-04-10. Review status: criteria provided, single submitter. Criteria: Invitae Variant Classification Sherloc (09022015). Collection method: clinical testing. Allele origin: germline.
Comment: This sequence change replaces arginine, which is basic and polar, with tryptophan, which is neutral and slightly polar, at codon 955 of the PIK3CD protein (p.Arg955Trp). This variant is not present in population databases (gnomAD no frequency). This variant has not been reported in the literature in individuals affected with PIK3CD-related conditions. An algorithm developed to predict the effect of missense changes on protein structure and function (PolyPhen-2) suggests that this variant is likely to be disruptive. In summary, the available evidence is currently insufficient to determine the role of this variant in disease. Therefore, it has been classified as a Variant of Uncertain Significance.

Rarefied Biosciences Lab
Classification: Likely benign for Activated PI3K-delta syndrome. Review status: no assertion criteria provided. Collection method: research. Allele origin: germline, not applicable. Affected: yes. Not counted in ClinVar's aggregate classification.
Comment: p.Arg955Trp is classified here as likely benign due to experimental evidence show no gain of mTOR function in B or T cells. The proportion of circulating TFH is normal. The proportion of circulating Transitional B cells is higher compared to healthy controls, but this finding is not unique to APDS.

Literature cited by the submitters: PubMed 31031754 (cited by Rarefied Biosciences Lab).

NM_005026.5(PIK3CD):c.2863C>T (p.Arg955Trp)

Gene: PIK3CD (phosphatidylinositol-4,5-bisphosphate 3-kinase catalytic subunit delta; plus strand). Cytogenetic location: 1p36.22.
Variant type: single nucleotide variant.
Coding change: c.2863C>T on transcript NM_005026.5 (MANE Select); coding-DNA position 2863, C replaced by T.
Protein change: p.Arg955Trp; replaces arginine 955 with tryptophan.
Molecular consequence: missense variant.
Genome position (GRCh38, 1-based): chr1:9,724,420, C>T. VCF-style: chr1-9724420-C-T. GRCh37 (hg19) VCF-style: chr1-9784478-C-T.
Other names: c.2860C>T, p.Arg954Trp (NM_001350234.2); c.2776C>T, p.Arg926Trp (NM_001350235.1); short protein forms R954W, R955W, R926W.
Identifiers: ClinVar variation 2805124 (VCV002805124.4), dbSNP rs1414657892, ClinGen allele CA338308174.